The following is an entry in ClinVar:

NM_004370.6(COL12A1):c.5846G>A (p.Ser1949Asn)

Gene: COL12A1 (collagen type XII alpha 1 chain; minus strand). Cytogenetic location: 6q13.
Variant type: single nucleotide variant.
Coding change: c.5846G>A on transcript NM_004370.6 (MANE Select); coding-DNA position 5846, G replaced by A.
Protein change: p.Ser1949Asn; replaces serine 1949 with asparagine.
Molecular consequence: missense variant.
Genome position (GRCh38, 1-based): chr6:75,132,031, C>T on the plus strand (G>A on the coding strand, the complement: COL12A1 is on the minus strand). VCF-style: chr6-75132031-C-T. GRCh37 (hg19) VCF-style: chr6-75841747-C-T.
Other names: c.2354G>A, p.Ser785Asn (NM_080645.3); short protein forms S1949N, S785N.
Identifiers: ClinVar variation 1995454 (VCV001995454.4), dbSNP rs2533277322, ClinGen allele CA364733013.

ClinVar aggregate classification (germline): Uncertain significance (1 of 4 stars; one submission).

Conditions:
Ullrich congenital muscular dystrophy 2 (UCMD2). Identifiers: Orphanet 75840, MedGen C4225314, MONDO:0014654, OMIM 616470.
Bethlem myopathy 2 (BTHLM2). Identifiers: Orphanet 536516, Orphanet 610, MedGen C4225313, MONDO:0034022, OMIM 616471.

Allele frequency attached by ClinVar (database versions not stated): gnomAD exomes below 0.00001.
gnomAD v4.1: 1 of 1,614,156 alleles (0.000062%); highest among the groups gnomAD compares: Non-Finnish European, 0.000085%; no homozygotes.

Submission:

Labcorp Genetics (formerly Invitae), Labcorp
Classification: Uncertain significance for Bethlem myopathy 2; Ullrich congenital muscular dystrophy 2. Last evaluated: 2022-05-17. Review status: criteria provided, single submitter. Criteria: Invitae Variant Classification Sherloc (09022015). Collection method: clinical testing. Allele origin: germline.
Comment: In summary, the available evidence is currently insufficient to determine the role of this variant in disease. Therefore, it has been classified as a Variant of Uncertain Significance. Algorithms developed to predict the effect of missense changes on protein structure and function output the following: SIFT: "Deleterious"; PolyPhen-2: "Benign"; Align-GVGD: "Class C0". The asparagine amino acid residue is found in multiple mammalian species, which suggests that this missense change does not adversely affect protein function. This variant has not been reported in the literature in individuals affected with COL12A1-related conditions. This variant is not present in population databases (gnomAD no frequency). This sequence change replaces serine, which is neutral and polar, with asparagine, which is neutral and polar, at codon 1949 of the COL12A1 protein (p.Ser1949Asn).